The following is an entry in ClinVar:

NM_006087.4(TUBB4A):c.1054G>A (p.Ala352Thr)

Gene: TUBB4A (tubulin beta 4A class IVa; minus strand). Cytogenetic location: 19p13.3.
Variant type: single nucleotide variant.
Coding change: c.1054G>A on transcript NM_006087.4 (MANE Select); coding-DNA position 1054, G replaced by A.
Protein change: p.Ala352Thr; replaces alanine 352 with threonine.
Molecular consequence: missense variant.
Genome position (GRCh38, 1-based): chr19:6,495,445, C>T on the plus strand (G>A on the coding strand, the complement: TUBB4A is on the minus strand). VCF-style: chr19-6495445-C-T. GRCh37 (hg19) VCF-style: chr19-6495456-C-T.
Other names: c.1207G>A, p.Ala403Thr (NM_001289123.2); c.1189G>A, p.Ala397Thr (NM_001289127.2); c.1054G>A, p.Ala352Thr (NM_001289129.2); c.838G>A, p.Ala280Thr (NM_001289130.2, NM_001289131.2); short protein forms A403T, A352T, A280T, A397T.
Identifiers: ClinVar variation 267785 (VCV000267785.8), dbSNP rs886041015, ClinGen allele CA10602625.

ClinVar aggregate classification (germline): Conflicting classifications of pathogenicity. Review status: criteria provided, conflicting classifications (1 of 4 stars). 3 submissions from 3 submitters: Likely pathogenic (1); Uncertain significance (1). 1 of the submissions does not count toward it. Last evaluated 2022-07-06.

Conditions:
TUBB4A-related disorder. Also called: TUBB4A-related condition.
Leukodystrophy, hypomyelinating, 6. Also called: TUBB4A-Associated Leukodystrophy; Hypomyelination with Atrophy of Basal Ganglia and Cerebellum (H-ABC); LEUKODYSTROPHY, HYPOMYELINATING, WITH ATROPHY OF THE BASAL GANGLIA AND CEREBELLUM. Identifiers: Orphanet 139441, MedGen C2676244, MONDO:0012905, OMIM 612438.

Submissions (3):

Labcorp Genetics (formerly Invitae), Labcorp
Classification: Uncertain significance for Leukodystrophy, hypomyelinating, 6. Last evaluated: 2022-07-06. Review status: criteria provided, single submitter. Criteria: Invitae Variant Classification Sherloc (09022015). Collection method: clinical testing. Allele origin: germline.
Comment: Algorithms developed to predict the effect of missense changes on protein structure and function are either unavailable or do not agree on the potential impact of this missense change (SIFT: "Deleterious"; PolyPhen-2: "Probably Damaging"; Align-GVGD: "Class C0"). In summary, the available evidence is currently insufficient to determine the role of this variant in disease. Therefore, it has been classified as a Variant of Uncertain Significance. ClinVar contains an entry for this variant (Variation ID: 267785). This sequence change replaces alanine, which is neutral and non-polar, with threonine, which is neutral and polar, at codon 352 of the TUBB4A protein (p.Ala352Thr). This variant is not present in population databases (gnomAD no frequency). This missense change has been observed in individual(s) with clinical features of hypomyelinating leukodystrophy (PMID: 24785942).

Blueprint Genetics
Classification: Likely pathogenic for TUBB4A-related disorders. Last evaluated: 2019-10-07. Review status: criteria provided, single submitter. Criteria: ACMG Guidelines, 2015. Collection method: clinical testing. Allele origin: germline. Affected: yes. Observed: 1 variant allele.

GeneReviews
No classification provided. Condition: Leukodystrophy, hypomyelinating, 6. Review status: no classification provided. Collection method: literature only. Allele origin: germline. Affected: yes. Not counted in ClinVar's aggregate classification.

Literature cited by the submitters: PubMed 24785942 (cited by Labcorp Genetics (formerly Invitae), Labcorp and GeneReviews); NCBI Bookshelf NBK395611 (cited by GeneReviews).